The following is an entry in ClinVar:

ClinVar aggregate classification (germline): Uncertain significance (1 of 4 stars; one submission).

Conditions:
Hereditary pancreatitis (PCTT). Also called: Hereditary chronic pancreatitis; PRSS1-Related Hereditary Pancreatitis. Identifiers: Orphanet 676, MedGen C0238339, MONDO:0008185, OMIM 167800.

Submission:

Ambry Genetics
Classification: Uncertain significance for Hereditary pancreatitis. Last evaluated: 2024-07-31. Review status: criteria provided, single submitter. Criteria: Ambry Variant Classification Scheme 2023. Collection method: clinical testing. Allele origin: germline.
Comment: The p.D107N variant (also known as c.319G>A), located in coding exon 3 of the PRSS1 gene, results from a G to A substitution at nucleotide position 319. The aspartic acid at codon 107 is replaced by asparagine, an amino acid with highly similar properties. This amino acid position is conserved. In addition, the in silico prediction for this alteration is inconclusive. Based on the available evidence, the clinical significance of this variant remains unclear.

NM_002769.5(PRSS1):c.319G>A (p.Asp107Asn)

Genes: TRB (T cell receptor beta locus; plus strand), PRSS1 (serine protease 1; plus strand). Cytogenetic location: 7q34.
Variant type: single nucleotide variant.
Coding change: c.319G>A on transcript NM_002769.5 (MANE Select); coding-DNA position 319, G replaced by A.
Protein change: p.Asp107Asn; replaces aspartic acid 107 with asparagine.
Molecular consequence: missense variant. On other transcripts: non-coding transcript variant (4).
Genome position (GRCh38, 1-based): chr7:142,751,892, G>A. VCF-style: chr7-142751892-G-A. GRCh37 (hg19) VCF-style: chr7-142459743-G-A.
Other names: short protein forms D107N.
Identifiers: ClinVar variation 3426310 (VCV003426310.1).
Genomic context (GRCh38, chr7:142,751,892, plus strand): 5'-TTCATCAATGCAGCCAAGATCATCCGCCACCCCCAATACGACAGGAAGACTCTGAACAAT[G>A]ACATCATGTTAATCAAGCTCTCCTCACGTGCAGTAATCAACGCCCGCGTGTCCACCATCT-3'
Protein context (NP_002760.1, residues 97-117): PQYDRKTLNN[Asp107Asn]IMLIKLSSRA